The following is an entry in ClinVar:

NM_001166108.2(PALLD):c.2570C>T (p.Ala857Val)

Genes: CBR4 (carbonyl reductase 4; minus strand), PALLD (palladin, cytoskeletal associated protein; plus strand). Cytogenetic location: 4q32.3.
Variant type: single nucleotide variant.
Coding change: c.2570C>T on transcript NM_001166108.2 (MANE Select); coding-DNA position 2570, C replaced by T.
Protein change: p.Ala857Val; replaces alanine 857 with valine.
Molecular consequence: missense variant.
Genome position (GRCh38, 1-based): chr4:168,903,854, C>T. VCF-style: chr4-168903854-C-T. GRCh37 (hg19) VCF-style: chr4-169825005-C-T.
Other names: c.1373C>T, p.Ala458Val (NM_001166109.2); c.1058C>T, p.Ala353Val (NM_001166110.2); c.398C>T, p.Ala133Val (NM_001367567.1, NM_001367569.1); c.449C>T, p.Ala150Val (NM_001367568.1, NM_001367570.1); c.2519C>T, p.Ala840Val (NM_016081.4); short protein forms A133V, A458V, A150V, A840V, A353V, A857V.
Identifiers: ClinVar variation 3885291 (VCV003885291.1).

ClinVar aggregate classification (germline): Uncertain significance (1 of 4 stars; one submission).

Submission:

Ambry Genetics
Classification: Uncertain significance. Last evaluated: 2025-01-02. Review status: criteria provided, single submitter. Criteria: Ambry Variant Classification Scheme 2023. Collection method: clinical testing. Allele origin: germline.
Comment: The p.A353V variant (also known as c.1058C>T), located in coding exon 5 of the PALLD gene, results from a C to T substitution at nucleotide position 1058. The alanine at codon 353 is replaced by valine, an amino acid with similar properties. This amino acid position is conserved. In addition, the in silico prediction for this alteration is inconclusive. Based on the available evidence, the clinical significance of this variant remains unclear.